The following is an entry in ClinVar:

ClinVar aggregate classification (germline): Uncertain significance (1 of 4 stars; one submission).

Submission:

GeneDx
Classification: Uncertain significance. Last evaluated: 2026-07-17. Review status: criteria provided, single submitter. Criteria: GeneDx Variant Classification Process June 2021. Collection method: clinical testing. Allele origin: germline.
Comment: Not observed at significant frequency in large population cohorts (gnomAD); In-frame variant in a gene for which most reported pathogenic variants are truncating/loss of function; Has not been previously published as pathogenic or benign to our knowledge

NM_001267550.2(TTN):c.90085_90088delinsA (p.Glu30029_Val30030delinsIle)

Genes: TTN (titin; minus strand), TTN-AS1 (TTN antisense RNA 1; plus strand). Cytogenetic location: 2q31.2.
Variant type: Indel.
Coding change: c.90085_90088delinsA on transcript NM_001267550.2 (MANE Select); coding-DNA positions 90085 to 90088, GAAG replaced by A.
Protein change: p.Glu30029_Val30030delinsIle.
Molecular consequence: inframe indel.
Genome position (GRCh38, 1-based): chr2:178,552,812-178,552,815, CTTC replaced by T on the plus strand (GAAG replaced by A on the coding strand, the reverse complement: TTN is on the minus strand). VCF-style: chr2-178552812-CTTC-T. GRCh37 (hg19) VCF-style: chr2-179417539-CTTC-T.
Other names: c.85162_85165delinsA, p.Glu28388_Val28389delinsIle (NM_001256850.1); c.90085_90088delGAAGinsA, p.Glu30029_Val30030delinsIle (NM_001267550.1); c.62890_62893delinsA, p.Glu20964_Val20965delinsIle (NM_003319.4); c.82381_82384delinsA, p.Glu27461_Val27462delinsIle (NM_133378.4); c.63265_63268delinsA, p.Glu21089_Val21090delinsIle (NM_133432.3); c.63466_63469delinsA, p.Glu21156_Val21157delinsIle (NM_133437.4).
Identifiers: ClinVar variation 3770018 (VCV003770018.2).